The following is an entry in ClinVar:

ClinVar aggregate classification (germline): Uncertain significance (1 of 4 stars; one submission).

Submission:

Labcorp Genetics (formerly Invitae), Labcorp
Classification: Uncertain significance. Last evaluated: 2024-01-10. Review status: criteria provided, single submitter. Criteria: Invitae Variant Classification Sherloc (09022015). Collection method: clinical testing. Allele origin: germline.
Comment: This sequence change replaces threonine, which is neutral and polar, with isoleucine, which is neutral and non-polar, at codon 312 of the COL18A1 protein (p.Thr312Ile). This variant is not present in population databases (gnomAD no frequency). This variant has not been reported in the literature in individuals affected with COL18A1-related conditions. ClinVar contains an entry for this variant (Variation ID: 1907999). Experimental studies and prediction algorithms are not available or were not evaluated, and the functional significance of this variant is currently unknown. In summary, the available evidence is currently insufficient to determine the role of this variant in disease. Therefore, it has been classified as a Variant of Uncertain Significance.

NM_001379500.1(COL18A1):c.935C>T (p.Thr312Ile)

Gene: COL18A1 (collagen type XVIII alpha 1 chain; plus strand). Cytogenetic location: 21q22.3.
Variant type: single nucleotide variant.
Coding change: c.935C>T on transcript NM_001379500.1 (MANE Select); coding-DNA position 935, C replaced by T.
Protein change: p.Thr312Ile; replaces threonine 312 with isoleucine.
Molecular consequence: missense variant.
Genome position (GRCh38, 1-based): chr21:45,477,417, C>T. VCF-style: chr21-45477417-C-T. GRCh37 (hg19) VCF-style: chr21-46897331-C-T.
Other names: c.1475C>T, p.Thr492Ile (NM_030582.4); c.2180C>T, p.Thr727Ile (NM_130444.3); short protein forms T312I, T492I, T727I.
Identifiers: ClinVar variation 1907999 (VCV001907999.4), dbSNP rs2035716496, ClinGen allele CA410514852.